The following is an entry in ClinVar:

ClinVar aggregate classification (germline): Likely benign. Review status: criteria provided, multiple submitters, no conflicts (2 of 4 stars). 2 submissions from 2 submitters: Likely benign (2). Last evaluated 2021-09-01.

Allele frequency attached by ClinVar (database versions not stated): ExAC 0.00012; gnomAD exomes 0.00042 and 0.00051; gnomAD 0.00262 and 0.00272; TOPMed 0.00265; 1000 Genomes Project 0.00424; 1000 Genomes Project 30x 0.00458.
gnomAD v4.1: 465 of 522,449 alleles (0.089%); highest among the groups gnomAD compares: African/African-American, 0.93%; 4 homozygotes.

Submissions (2):

Laboratorio de Genetica e Diagnostico Molecular, Hospital Israelita Albert Einstein
Classification: Likely benign. Last evaluated: 2021-09-01. Review status: criteria provided, single submitter. Criteria: ACMG Guidelines, 2015. Collection method: clinical testing. Allele origin: germline. Affected: yes.
Comment: ACMG classification criteria: BS2, BP4

Breakthrough Genomics
Classification: Likely benign. Review status: criteria provided, single submitter. Criteria: ACMG Guidelines, 2015. Collection method: not provided. Allele origin: germline. Inheritance: X-linked inheritance. Affected: yes.

NM_001363810.1(VMA21):c.51G>C (p.Glu17Asp)

Gene: VMA21 (vacuolar ATPase assembly factor VMA21; plus strand). Cytogenetic location: Xq28.
Variant type: single nucleotide variant.
Coding change: c.51G>C on transcript NM_001363810.1; coding-DNA position 51, G replaced by C.
Protein change: p.Glu17Asp; replaces glutamic acid 17 with aspartic acid.
Molecular consequence: missense variant.
Genome position (GRCh38, 1-based): chrX:151,396,890, G>C. VCF-style: chrX-151396890-G-C. GRCh37 (hg19) VCF-style: chrX-150565362-G-C.
Other names: short protein forms E17D.
Identifiers: ClinVar variation 1690444 (VCV001690444.3), dbSNP rs138128701, ClinGen allele CA10540507.